The following is an entry in ClinVar:

ClinVar aggregate classification (germline): Pathogenic (1 of 4 stars; one submission).

gnomAD v4.1: 1 of 1,613,708 alleles (0.000062%); highest among the groups gnomAD compares: African/African-American, 0.0013%; no homozygotes.

Submission:

Labcorp Genetics (formerly Invitae), Labcorp
Classification: Pathogenic. Last evaluated: 2026-01-22. Review status: criteria provided, single submitter. Criteria: Invitae Variant Classification Sherloc (09022015). Collection method: clinical testing. Allele origin: germline.
Comment: This sequence change creates a premature translational stop signal (p.Gln556*) in the TTC37 gene. It is expected to result in an absent or disrupted protein product. Loss-of-function variants in TTC37 are known to be pathogenic (PMID: 20176027, 21120949). This variant is not present in population databases (gnomAD no frequency). This variant has not been reported in the literature in individuals affected with TTC37-related conditions. ClinVar contains an entry for this variant (Variation ID: 3612104). Algorithms developed to predict the effect of sequence changes on RNA splicing suggest that this variant may disrupt the consensus splice site. For these reasons, this variant has been classified as Pathogenic.

Literature cited by the submitters: PubMed 20176027; PubMed 21120949.

NM_014639.4(SKIC3):c.1666C>T (p.Gln556Ter)

Gene: SKIC3 (SKI3 subunit of superkiller complex; minus strand). Cytogenetic location: 5q15.
Variant type: single nucleotide variant.
Coding change: c.1666C>T on transcript NM_014639.4 (MANE Select); coding-DNA position 1666, C replaced by T.
Protein change: p.Gln556Ter; replaces glutamine 556 with a stop codon.
Molecular consequence: nonsense.
Genome position (GRCh38, 1-based): chr5:95,523,293, G>A on the plus strand (C>T on the coding strand, the complement: SKIC3 is on the minus strand). VCF-style: chr5-95523293-G-A. GRCh37 (hg19) VCF-style: chr5-94858997-G-A.
Other names: short protein forms Q556*.
Identifiers: ClinVar variation 3612104 (VCV003612104.2).
Genomic context (GRCh38, chr5:95,523,293, plus strand): 5'-TCAAATAGTATAGTCCTCGCCTAAGCCAGGCCCATTTTGCCGTTCCAGCACTTGCCTTTT[G>A]AGTTACTGTTGTTAGGATAGCTAAAGCCATTTCCTAATAATAAGAAAATACTAATATTAG-3'